The following is an entry in ClinVar:

NM_006059.4(LAMC3):c.3560G>C (p.Ser1187Thr)

Gene: LAMC3 (laminin subunit gamma 3; plus strand). Cytogenetic location: 9q34.12.
Variant type: single nucleotide variant.
Coding change: c.3560G>C on transcript NM_006059.4 (MANE Select); coding-DNA position 3560, G replaced by C.
Protein change: p.Ser1187Thr; replaces serine 1187 with threonine.
Molecular consequence: missense variant.
Genome position (GRCh38, 1-based): chr9:131,075,896, G>C. VCF-style: chr9-131075896-G-C. GRCh37 (hg19) VCF-style: chr9-133951283-G-C.
Other names: short protein forms S1187T.
Identifiers: ClinVar variation 1369174 (VCV001369174.5), dbSNP rs1472300978, ClinGen allele CA375260407.
Genomic context (GRCh38, chr9:131,075,896, plus strand): 5'-GAGACACCGCCACCAAGATCGCAGCCACTGCTTGGAGGGCCCTGCTCGCCTCCAACACCA[G>C]CTACGCGCTTCTCTGGAATCTGCTGGAGGGAAGGGTGGCCCTAGAGACCCAGCGGGACCT-3'
Protein context (NP_006050.3, residues 1177-1197): AWRALLASNT[Ser1187Thr]YALLWNLLEG

ClinVar aggregate classification (germline): Uncertain significance (1 of 4 stars; one submission).

Allele frequency attached by ClinVar (database versions not stated): gnomAD exomes below 0.00001; gnomAD 0.00001; TOPMed 0.00001.
gnomAD v4.1: 9 of 1,612,484 alleles (0.00056%); highest among the groups gnomAD compares: Non-Finnish European, 0.00076%; no homozygotes.

Submission:

Labcorp Genetics (formerly Invitae), Labcorp
Classification: Uncertain significance. Last evaluated: 2022-02-14. Review status: criteria provided, single submitter. Criteria: Invitae Variant Classification Sherloc (09022015). Collection method: clinical testing. Allele origin: germline.
Comment: This sequence change replaces serine, which is neutral and polar, with threonine, which is neutral and polar, at codon 1187 of the LAMC3 protein (p.Ser1187Thr). This variant is present in population databases (no rsID available, gnomAD 0.0009%). This variant has not been reported in the literature in individuals affected with LAMC3-related conditions. Algorithms developed to predict the effect of missense changes on protein structure and function (SIFT, PolyPhen-2, Align-GVGD) all suggest that this variant is likely to be tolerated. In summary, the available evidence is currently insufficient to determine the role of this variant in disease. Therefore, it has been classified as a Variant of Uncertain Significance.